The following is an entry in ClinVar:

ClinVar aggregate classification (germline): Uncertain significance (1 of 4 stars; one submission).

gnomAD v4.1: 1 of 1,603,584 alleles (0.000062%); no homozygotes.

Submission:

Ambry Genetics
Classification: Uncertain significance. Last evaluated: 2024-12-06. Review status: criteria provided, single submitter. Criteria: Ambry Variant Classification Scheme 2023. Collection method: clinical testing. Allele origin: germline.
Comment: The p.P1458S variant (also known as c.4372C>T), located in coding exon 19 of the WNK2 gene, results from a C to T substitution at nucleotide position 4372. The proline at codon 1458 is replaced by serine, an amino acid with similar properties. This amino acid position is conserved. In addition, this alteration is predicted to be tolerated by in silico analysis. Based on the available evidence, the clinical significance of this variant remains unclear.

NM_006648.4(WNK2):c.4372C>T (p.Pro1458Ser)

Gene: WNK2 (WNK lysine deficient protein kinase 2; plus strand). Cytogenetic location: 9q22.31.
Variant type: single nucleotide variant.
Coding change: c.4372C>T on transcript NM_006648.4 (MANE Select); coding-DNA position 4372, C replaced by T.
Protein change: p.Pro1458Ser; replaces proline 1458 with serine.
Molecular consequence: missense variant.
Genome position (GRCh38, 1-based): chr9:93,289,126, C>T. VCF-style: chr9-93289126-C-T. GRCh37 (hg19) VCF-style: chr9-96051408-C-T.
Other names: c.4483C>T, p.Pro1495Ser (NM_001282394.3); short protein forms P1458S, P1495S.
Identifiers: ClinVar variation 3470624 (VCV003470624.1).